The following is an entry in ClinVar:

NM_003356.4(UCP3):c.430T>C (p.Phe144Leu)

Gene: UCP3 (uncoupling protein 3; minus strand). Cytogenetic location: 11q13.4.
Variant type: single nucleotide variant.
Coding change: c.430T>C on transcript NM_003356.4 (MANE Select); coding-DNA position 430, T replaced by C.
Protein change: p.Phe144Leu; replaces phenylalanine 144 with leucine.
Molecular consequence: missense variant.
Genome position (GRCh38, 1-based): chr11:74,005,841, A>G on the plus strand (T>C on the coding strand, the complement: UCP3 is on the minus strand). VCF-style: chr11-74005841-A-G. GRCh37 (hg19) VCF-style: chr11-73716886-A-G.
Other names: c.430T>C, p.Phe144Leu (NM_022803.3); short protein forms F144L.
Identifiers: ClinVar variation 3348495 (VCV003348495.2).

ClinVar aggregate classification (germline): Uncertain significance (1 of 4 stars; one submission).

Conditions:
UCP3-related disorder. Also called: UCP3-related condition.

Submission:

PreventionGenetics, part of Exact Sciences
Classification: Uncertain significance for UCP3-related condition. Last evaluated: 2026-02-02. Review status: criteria provided, single submitter. Criteria: ACMG Guidelines, 2015. Collection method: clinical testing. Allele origin: germline.
Comment: The UCP3 c.430T>C variant is predicted to result in the amino acid substitution p.Phe144Leu. To our knowledge, this variant has not been reported in the literature or in a large population database (gnomAD), indicating this variant is rare. At this time, the clinical significance of this variant is uncertain due to the absence of conclusive functional and genetic evidence.